The following is an entry in ClinVar:

ClinVar aggregate classification (germline): Uncertain significance. Review status: criteria provided, multiple submitters, no conflicts (2 of 4 stars). 2 submissions from 2 submitters: Uncertain significance (2). Last evaluated 2025-08-12.

gnomAD v4.1: 54 of 1,614,066 alleles (0.0033%); highest among the groups gnomAD compares: Non-Finnish European, 0.0042%; no homozygotes.

Submissions (2):

GeneDx
Classification: Uncertain significance. Last evaluated: 2025-08-12. Review status: criteria provided, single submitter. Criteria: GeneDx Variant Classification Process June 2021. Collection method: clinical testing. Allele origin: germline.
Comment: Not observed at significant frequency in large population cohorts (gnomAD); In silico analysis suggests that this missense variant does not alter protein structure/function; Has not been previously published as pathogenic or benign to our knowledge

Blueprint Genetics
Classification: Uncertain significance. Last evaluated: 2022-10-28. Review status: criteria provided, single submitter. Criteria: ACMG Guidelines, 2015. Collection method: clinical testing. Allele origin: germline.

NM_153676.4(USH1C):c.2515G>A (p.Val839Ile)

Gene: USH1C (USH1 protein network component harmonin; minus strand). Cytogenetic location: 11p15.1.
Variant type: single nucleotide variant.
Coding change: c.2515G>A on transcript NM_153676.4 (MANE Select); coding-DNA position 2515, G replaced by A.
Protein change: p.Val839Ile; replaces valine 839 with isoleucine.
Molecular consequence: missense variant. On other transcripts: non-coding transcript variant (1).
Genome position (GRCh38, 1-based): chr11:17,496,789, C>T on the plus strand (G>A on the coding strand, the complement: USH1C is on the minus strand). VCF-style: chr11-17496789-C-T. GRCh37 (hg19) VCF-style: chr11-17518336-C-T.
Other names: c.1558G>A, p.Val520Ile (NM_001297764.2); c.1615G>A, p.Val539Ile (NM_005709.4); short protein forms V520I, V539I, V839I.
Identifiers: ClinVar variation 3342580 (VCV003342580.3).